The following is an entry in ClinVar:

NM_001326411.2(PISD):c.878G>A (p.Arg293His)

Gene: PISD (phosphatidylserine decarboxylase; minus strand). Cytogenetic location: 22q12.2.
Variant type: single nucleotide variant.
Coding change: c.878G>A on transcript NM_001326411.2 (MANE Select); coding-DNA position 878, G replaced by A.
Protein change: p.Arg293His; replaces arginine 293 with histidine.
Molecular consequence: missense variant. On other transcripts: intron variant (3).
Genome position (GRCh38, 1-based): chr22:31,620,680, C>T on the plus strand (G>A on the coding strand, the complement: PISD is on the minus strand). VCF-style: chr22-31620680-C-T. GRCh37 (hg19) VCF-style: chr22-32016666-C-T.
Other names: c.815G>A, p.Arg272His (NM_001326412.1, NM_001326413.2, NM_001326414.2); c.776G>A, p.Arg259His (NM_001326415.2, NM_001326416.2, NM_001326417.2 and 2 more transcripts); c.698G>A, p.Arg233His (NM_001326418.2); c.844+316G>A (NM_001326421.1); c.665-81G>A (NM_001326420.2); c.743-81G>A (NM_001326419.2); short protein forms R233H, R259H, R272H, R293H.
Identifiers: ClinVar variation 3628952 (VCV003628952.1).

ClinVar aggregate classification (germline): Uncertain significance (1 of 4 stars; one submission).

gnomAD v4.1: 19 of 1,614,038 alleles (0.0012%); highest among the groups gnomAD compares: Admixed American, 0.0083%; no homozygotes.

Submission:

Labcorp Genetics (formerly Invitae), Labcorp
Classification: Uncertain significance. Last evaluated: 2024-07-03. Review status: criteria provided, single submitter. Criteria: Invitae Variant Classification Sherloc (09022015). Collection method: clinical testing. Allele origin: germline.
Comment: This sequence change replaces arginine, which is basic and polar, with histidine, which is basic and polar, at codon 293 of the PISD protein (p.Arg293His). This variant is present in population databases (no rsID available, gnomAD 0.006%). This variant has not been reported in the literature in individuals affected with PISD-related conditions. Advanced modeling of protein sequence and biophysical properties (such as structural, functional, and spatial information, amino acid conservation, physicochemical variation, residue mobility, and thermodynamic stability) performed at Invitae indicates that this missense variant is not expected to disrupt PISD protein function with a negative predictive value of 80%. In summary, the available evidence is currently insufficient to determine the role of this variant in disease. Therefore, it has been classified as a Variant of Uncertain Significance.